The following is an entry in ClinVar:

NM_004357.5(CD151):c.201G>A (p.Ala67=)

Gene: CD151 (CD151 molecule (Raph blood group); plus strand). Cytogenetic location: 11p15.5.
Variant type: single nucleotide variant.
Coding change: c.201G>A on transcript NM_004357.5 (MANE Select); coding-DNA position 201, G replaced by A.
Protein change: p.Ala67=; no amino-acid change (alanine 67 retained).
Molecular consequence: synonymous variant.
Genome position (GRCh38, 1-based): chr11:836,367, G>A. VCF-style: chr11-836367-G-A. GRCh37 (hg19) VCF-style: chr11-836367-G-A.
Other names: c.201G>A (NM_004357.4); c.201G>A, p.Ala67= (NM_001039490.2, NM_139029.2, NM_139030.4).
Identifiers: ClinVar variation 2054181 (VCV002054181.6), dbSNP rs374162358, ClinGen allele CA5792090.

ClinVar aggregate classification (germline): Conflicting classifications of pathogenicity. Review status: criteria provided, conflicting classifications (1 of 4 stars). 3 submissions from 3 submitters: Uncertain significance (1); Likely benign (2). Last evaluated 2026-03-12.

Conditions:
CD151-related disorder. Also called: CD151-related condition.
Epidermolysis bullosa simplex 7, with nephropathy and deafness. Also called: Nephrotic syndrome - deafness - pretibial epidermolysis bullosa syndrome; Nephropathy with Pretibial Epidermolysis Bullosa and Deafness. Identifiers: Orphanet 300333, MedGen C1836823, MONDO:0012190, OMIM 609057.
RAPH BLOOD GROUP SYSTEM. Also called: MER2 BLOOD CELL ANTIGEN EXPRESSION. Identifiers: MedGen C1867341, OMIM 179620.

Allele frequency attached by ClinVar (database versions not stated): ESP Exome Variant Server 0.00008; ExAC 0.00010; TOPMed 0.00010; gnomAD 0.00005.
gnomAD v4.1: 95 of 1,612,308 alleles (0.0059%); highest among the groups gnomAD compares: Admixed American, 0.037%; no homozygotes.

Submissions (3):

PreventionGenetics, part of Exact Sciences
Classification: Likely benign for CD151-related condition. Last evaluated: 2026-03-12. Review status: criteria provided, single submitter. Criteria: ACMG Guidelines, 2015. Collection method: clinical testing. Allele origin: germline.
Comment: This variant is classified as likely benign based on ACMG/AMP sequence variant interpretation guidelines (Richards et al. 2015 PMID: 25741868, with internal and published modifications).

Labcorp Genetics (formerly Invitae), Labcorp
Classification: Likely benign. Last evaluated: 2024-05-10. Review status: criteria provided, single submitter. Criteria: Invitae Variant Classification Sherloc (09022015). Collection method: clinical testing. Allele origin: germline.

Fulgent Genetics
Classification: Uncertain significance for RAPH BLOOD GROUP SYSTEM; Epidermolysis bullosa simplex 7, with nephropathy and deafness. Last evaluated: 2024-02-03. Review status: criteria provided, single submitter. Criteria: ACMG Guidelines, 2015. Collection method: clinical testing. Allele origin: germline.